The following is an entry in ClinVar:

NM_015295.3(SMCHD1):c.5024A>G (p.His1675Arg)

Gene: SMCHD1 (structural maintenance of chromosomes flexible hinge domain containing 1; plus strand). Cytogenetic location: 18p11.32.
Variant type: single nucleotide variant.
Coding change: c.5024A>G on transcript NM_015295.3 (MANE Select); coding-DNA position 5024, A replaced by G.
Protein change: p.His1675Arg; replaces histidine 1675 with arginine.
Molecular consequence: missense variant.
Genome position (GRCh38, 1-based): chr18:2,771,590, A>G. VCF-style: chr18-2771590-A-G. GRCh37 (hg19) VCF-style: chr18-2771588-A-G.
Other names: c.5024A>G (NM_015295.2); short protein forms H1675R.
Identifiers: ClinVar variation 285312 (VCV000285312.21), dbSNP rs201071071, ClinGen allele CA8871640.
Genomic context (GRCh38, chr18:2,771,590, plus strand): 5'-TAGGTCAAGTTGAAGAAGCAAGATTAAAAGAGGCCCAATTGCGAAATGAACTAAAAATAC[A>G]TAATATTGACATTCCTACAACACAACAGGTACAGCTTCCAACTATACGTGAAAGATTTTT-3'
Protein context (NP_056110.2, residues 1665-1685): EAQLRNELKI[His1675Arg]NIDIPTTQQV

ClinVar aggregate classification (germline): Conflicting classifications of pathogenicity. Review status: criteria provided, conflicting classifications (1 of 4 stars). 6 submissions from 6 submitters: Uncertain significance (4); Likely benign (2). Last evaluated 2025-09-23.

Conditions:
Inborn genetic diseases. Identifiers: MedGen C0950123, MeSH D030342.
Facioscapulohumeral muscular dystrophy 2 (FSHD2). Also called: MUSCULAR DYSTROPHY, FACIOSCAPULOHUMERAL, TYPE 1B; FACIOSCAPULOHUMERAL MUSCULAR DYSTROPHY 2, DIGENIC; FSHD2, DIGENIC. Identifiers: Orphanet 269, MedGen C1834671, MONDO:0008031, OMIM 158901.

Allele frequency attached by ClinVar (database versions not stated): gnomAD exomes 0.00003 and 0.00010; ExAC 0.00015; gnomAD 0.00039; TOPMed 0.00047; 1000 Genomes Project 0.00060; 1000 Genomes Project 30x 0.00062; ESP Exome Variant Server 0.00068.
gnomAD v4.1: 108 of 1,569,528 alleles (0.0069%); highest among the groups gnomAD compares: African/African-American, 0.13%; no homozygotes.

Submissions (6):

Labcorp Genetics (formerly Invitae), Labcorp
Classification: Uncertain significance for Facioscapulohumeral muscular dystrophy 2. Last evaluated: 2025-09-23. Review status: criteria provided, single submitter. Criteria: Invitae Variant Classification Sherloc (09022015). Collection method: clinical testing. Allele origin: germline.
Comment: This sequence change replaces histidine, which is basic and polar, with arginine, which is basic and polar, at codon 1675 of the SMCHD1 protein (p.His1675Arg). This variant is present in population databases (rs201071071, gnomAD 0.1%), and has an allele count higher than expected for a pathogenic variant. This variant has not been reported in the literature in individuals affected with SMCHD1-related conditions. ClinVar contains an entry for this variant (Variation ID: 285312). Invitae Evidence Modeling of protein sequence and biophysical properties (such as structural, functional, and spatial information, amino acid conservation, physicochemical variation, residue mobility, and thermodynamic stability) indicates that this missense variant is not expected to disrupt SMCHD1 protein function with a negative predictive value of 80%. In summary, the available evidence is currently insufficient to determine the role of this variant in disease. Therefore, it has been classified as a Variant of Uncertain Significance.

Athena Diagnostics
Classification: Uncertain significance. Last evaluated: 2025-08-20. Review status: criteria provided, single submitter. Criteria: Athena Diagnostics Criteria. Collection method: clinical testing. Allele origin: unknown.
Comment: Available data are insufficient to determine the clinical significance of the variant at this time. The frequency of this variant in the general population is higher than would generally be expected for pathogenic variants in this gene. Polyphen and MutationTaster predict this amino acid change may be benign.

Ambry Genetics
Classification: Uncertain significance for Inborn genetic diseases. Last evaluated: 2025-05-03. Review status: criteria provided, single submitter. Criteria: Ambry Variant Classification Scheme 2023. Collection method: clinical testing. Allele origin: germline.

Revvity Omics, Revvity
Classification: Likely benign. Last evaluated: 2023-08-17. Review status: criteria provided, single submitter. Criteria: ACMG Guidelines, 2015. Collection method: clinical testing. Allele origin: germline.

Blueprint Genetics
Classification: Likely benign. Last evaluated: 2022-02-04. Review status: criteria provided, single submitter. Criteria: ACMG Guidelines, 2015. Collection method: clinical testing. Allele origin: germline.

Eurofins Ntd Llc (ga)
Classification: Uncertain significance. Last evaluated: 2017-02-28. Review status: criteria provided, single submitter. Criteria: EGL Classification Definitions 2015. Collection method: clinical testing. Allele origin: germline. Observed: 4 variant alleles, 4 heterozygotes.